The following is an entry in ClinVar:

NM_024915.4(GRHL2):c.500T>A (p.Phe167Tyr)

Gene: GRHL2 (grainyhead like transcription factor 2; plus strand). Cytogenetic location: 8q22.3.
Variant type: single nucleotide variant.
Coding change: c.500T>A on transcript NM_024915.4 (MANE Select); coding-DNA position 500, T replaced by A.
Protein change: p.Phe167Tyr; replaces phenylalanine 167 with tyrosine.
Molecular consequence: missense variant.
Genome position (GRCh38, 1-based): chr8:101,558,634, T>A. VCF-style: chr8-101558634-T-A. GRCh37 (hg19) VCF-style: chr8-102570862-T-A.
Other names: c.452T>A, p.Phe151Tyr (NM_001330593.2); short protein forms F151Y, F167Y.
Identifiers: ClinVar variation 3777408 (VCV003777408.1).
Genomic context (GRCh38, chr8:101,558,634, plus strand): 5'-CTGCCATCATCCCGGTGTCGGGAATCACGGTGGTGAAAGCTGAAGATTTCACACCAGTTT[T>A]CATGGCCCCACCTGTGCACTATCCCCGGGGAGATGGGGAAGAGCAACGAGTGGTTATCTT-3'
Protein context (NP_079191.2, residues 157-177): VVKAEDFTPV[Phe167Tyr]MAPPVHYPRG

ClinVar aggregate classification (germline): Uncertain significance (1 of 4 stars; one submission).

Submission:

GeneDx
Classification: Uncertain significance. Last evaluated: 2024-10-11. Review status: criteria provided, single submitter. Criteria: GeneDx Variant Classification Process June 2021. Collection method: clinical testing. Allele origin: germline. Affected: yes.
Comment: Not observed at significant frequency in large population cohorts (gnomAD); In silico analysis indicates that this missense variant does not alter protein structure/function; Has not been previously published as pathogenic or benign to our knowledge